The following is an entry in ClinVar:

NM_001211.6(BUB1B):c.2380A>G (p.Ile794Val)

Gene: BUB1B (BUB1 mitotic checkpoint serine/threonine kinase B; plus strand). Cytogenetic location: 15q15.1.
Variant type: single nucleotide variant.
Coding change: c.2380A>G on transcript NM_001211.6 (MANE Select); coding-DNA position 2380, A replaced by G.
Protein change: p.Ile794Val; replaces isoleucine 794 with valine.
Molecular consequence: missense variant.
Genome position (GRCh38, 1-based): chr15:40,210,205, A>G. VCF-style: chr15-40210205-A-G. GRCh37 (hg19) VCF-style: chr15-40502406-A-G.
Other names: short protein forms I794V.
Identifiers: ClinVar variation 2565443 (VCV002565443.2), dbSNP rs1476637336, ClinGen allele CA391695070.

ClinVar aggregate classification (germline): Uncertain significance (1 of 4 stars; one submission).

Conditions:
Inborn genetic diseases. Identifiers: MedGen C0950123, MeSH D030342.

Allele frequency attached by ClinVar (database versions not stated): gnomAD exomes 0.00001.
gnomAD v4.1: 13 of 1,594,452 alleles (0.00082%); highest among the groups gnomAD compares: Non-Finnish European, 0.00095%; no homozygotes.

Submission:

Ambry Genetics
Classification: Uncertain significance for Inborn genetic diseases. Last evaluated: 2023-04-06. Review status: criteria provided, single submitter. Criteria: Ambry Variant Classification Scheme 2023. Collection method: clinical testing. Allele origin: germline.
Comment: The p.I794V variant (also known as c.2380A>G), located in coding exon 18 of the BUB1B gene, results from an A to G substitution at nucleotide position 2380. The isoleucine at codon 794 is replaced by valine, an amino acid with highly similar properties. This amino acid position is conserved. In addition, this alteration is predicted to be tolerated by in silico analysis. Since supporting evidence is limited at this time, the clinical significance of this alteration remains unclear.